The following is an entry in ClinVar:

NM_001375524.1(TRRAP):c.6271C>T (p.Leu2091Phe)

Gene: TRRAP (transformation/transcription domain associated protein; plus strand). Cytogenetic location: 7q22.1.
Variant type: single nucleotide variant.
Coding change: c.6271C>T on transcript NM_001375524.1 (MANE Select); coding-DNA position 6271, C replaced by T.
Protein change: p.Leu2091Phe; replaces leucine 2091 with phenylalanine.
Molecular consequence: missense variant.
Genome position (GRCh38, 1-based): chr7:98,958,020, C>T. VCF-style: chr7-98958020-C-T. GRCh37 (hg19) VCF-style: chr7-98555643-C-T.
Other names: c.6250C>T, p.Leu2084Phe (NM_001244580.2); c.6196C>T, p.Leu2066Phe (NM_003496.4); short protein forms L2091F, L2066F, L2084F.
Identifiers: ClinVar variation 2965780 (VCV002965780.3), dbSNP rs2484884336, ClinGen allele CA368328499.

ClinVar aggregate classification (germline): Uncertain significance (1 of 4 stars; one submission).

gnomAD v4.1: 4 of 1,614,184 alleles (0.00025%); highest among the groups gnomAD compares: Non-Finnish European, 0.00034%; no homozygotes.

Submission:

Labcorp Genetics (formerly Invitae), Labcorp
Classification: Uncertain significance. Last evaluated: 2024-01-15. Review status: criteria provided, single submitter. Criteria: Invitae Variant Classification Sherloc (09022015). Collection method: clinical testing. Allele origin: germline.
Comment: This sequence change replaces leucine, which is neutral and non-polar, with phenylalanine, which is neutral and non-polar, at codon 2066 of the TRRAP protein (p.Leu2066Phe). This variant is not present in population databases (gnomAD no frequency). This variant has not been reported in the literature in individuals affected with TRRAP-related conditions. Advanced modeling of protein sequence and biophysical properties (such as structural, functional, and spatial information, amino acid conservation, physicochemical variation, residue mobility, and thermodynamic stability) performed at Invitae indicates that this missense variant is not expected to disrupt TRRAP protein function with a negative predictive value of 80%. In summary, the available evidence is currently insufficient to determine the role of this variant in disease. Therefore, it has been classified as a Variant of Uncertain Significance.